The following is an entry in ClinVar:

NM_198253.3(TERT):c.759G>C (p.Gln253His)

Gene: TERT (telomerase reverse transcriptase; minus strand). Cytogenetic location: 5p15.33.
Variant type: single nucleotide variant.
Coding change: c.759G>C on transcript NM_198253.3 (MANE Select); coding-DNA position 759, G replaced by C.
Protein change: p.Gln253His; replaces glutamine 253 with histidine.
Molecular consequence: missense variant. On other transcripts: non-coding transcript variant (2).
Genome position (GRCh38, 1-based): chr5:1,294,127, C>G on the plus strand (G>C on the coding strand, the complement: TERT is on the minus strand). VCF-style: chr5-1294127-C-G. GRCh37 (hg19) VCF-style: chr5-1294242-C-G.
Other names: c.759G>C, p.Gln253His (NM_001193376.3); short protein forms Q253H.
Identifiers: ClinVar variation 657435 (VCV000657435.12), dbSNP rs1579597808, ClinGen allele CA359056880.

ClinVar aggregate classification (germline): Uncertain significance. Review status: criteria provided, multiple submitters, no conflicts (2 of 4 stars). 2 submissions from 2 submitters: Uncertain significance (2). Last evaluated 2025-11-14.

Conditions:
Dyskeratosis congenita. Identifiers: Orphanet 1775, MedGen C0265965, MONDO:0015780.
Idiopathic Pulmonary Fibrosis. Also called: Idiopathic fibrosing alveolitis, chronic form; idiopathic fibrosing alveolitis. Identifiers: Orphanet 2032, MedGen C1800706, MeSH D054990, MONDO:0800504.
Dyskeratosis congenita, autosomal dominant 2. Identifiers: MedGen C3151443, MONDO:0013521, OMIM 613989.

gnomAD v4.1: 4 of 1,583,728 alleles (0.00025%); highest among the groups gnomAD compares: Non-Finnish European, 0.00026%; no homozygotes.

Submissions (2):

Ambry Genetics
Classification: Uncertain significance for Dyskeratosis congenita. Last evaluated: 2025-11-14. Review status: criteria provided, single submitter. Criteria: Ambry Variant Classification Scheme 2023. Collection method: clinical testing. Allele origin: germline.
Comment: The p.Q253H variant (also known as c.759G>C), located in coding exon 2 of the TERT gene, results from a G to C substitution at nucleotide position 759. The glutamine at codon 253 is replaced by histidine, an amino acid with highly similar properties. This amino acid position is not well conserved in available vertebrate species. In addition, this alteration is predicted to be tolerated by in silico analysis. Based on the available evidence, the clinical significance of this variant remains unclear.

Labcorp Genetics (formerly Invitae), Labcorp
Classification: Uncertain significance for Dyskeratosis congenita, autosomal dominant 2; Idiopathic Pulmonary Fibrosis. Last evaluated: 2025-07-13. Review status: criteria provided, single submitter. Criteria: Invitae Variant Classification Sherloc (09022015). Collection method: clinical testing. Allele origin: germline.
Comment: This sequence change replaces glutamine, which is neutral and polar, with histidine, which is basic and polar, at codon 253 of the TERT protein (p.Gln253His). This variant is not present in population databases (gnomAD no frequency). This variant has not been reported in the literature in individuals affected with TERT-related conditions. ClinVar contains an entry for this variant (Variation ID: 657435). Invitae Evidence Modeling of protein sequence and biophysical properties (such as structural, functional, and spatial information, amino acid conservation, physicochemical variation, residue mobility, and thermodynamic stability) has been performed for this missense variant. However, the output from this modeling did not meet the statistical confidence thresholds required to predict the impact of this variant on TERT protein function. In summary, the available evidence is currently insufficient to determine the role of this variant in disease. Therefore, it has been classified as a Variant of Uncertain Significance.